The following is an entry in ClinVar:

NM_002772.3(TMPRSS15):c.2825A>G (p.Gln942Arg)

Gene: TMPRSS15 (transmembrane serine protease 15; minus strand). Cytogenetic location: 21q21.1.
Variant type: single nucleotide variant.
Coding change: c.2825A>G on transcript NM_002772.3 (MANE Select); coding-DNA position 2825, A replaced by G.
Protein change: p.Gln942Arg; replaces glutamine 942 with arginine.
Molecular consequence: missense variant.
Genome position (GRCh38, 1-based): chr21:18,275,276, T>C on the plus strand (A>G on the coding strand, the complement: TMPRSS15 is on the minus strand). VCF-style: chr21-18275276-T-C. GRCh37 (hg19) VCF-style: chr21-19647593-T-C.
Other names: c.2825A>G (NM_002772.2); short protein forms Q942R.
Identifiers: ClinVar variation 1977959 (VCV001977959.6), dbSNP rs138935935, ClinGen allele CA9983883.

ClinVar aggregate classification (germline): Uncertain significance. Review status: criteria provided, multiple submitters, no conflicts (2 of 4 stars). 2 submissions from 2 submitters: Uncertain significance (2). Last evaluated 2024-06-16.

Allele frequency attached by ClinVar (database versions not stated): gnomAD exomes 0.00001; TOPMed 0.00001; ExAC 0.00002; gnomAD 0.00002; ESP Exome Variant Server 0.00008.
gnomAD v4.1: 16 of 1,614,140 alleles (0.00099%); highest among the groups gnomAD compares: African/African-American, 0.012%; no homozygotes.

Submissions (2):

Ambry Genetics
Classification: Uncertain significance. Last evaluated: 2024-06-16. Review status: criteria provided, single submitter. Criteria: Ambry Variant Classification Scheme 2023. Collection method: clinical testing. Allele origin: germline.

Labcorp Genetics (formerly Invitae), Labcorp
Classification: Uncertain significance. Last evaluated: 2023-08-10. Review status: criteria provided, single submitter. Criteria: Invitae Variant Classification Sherloc (09022015). Collection method: clinical testing. Allele origin: germline.
Comment: This variant has not been reported in the literature in individuals affected with TMPRSS15-related conditions. In summary, the available evidence is currently insufficient to determine the role of this variant in disease. Therefore, it has been classified as a Variant of Uncertain Significance. An algorithm developed to predict the effect of missense changes on protein structure and function (PolyPhen-2) suggests that this variant is likely to be disruptive. ClinVar contains an entry for this variant (Variation ID: 1977959). This variant is present in population databases (rs138935935, gnomAD 0.007%). This sequence change replaces glutamine, which is neutral and polar, with arginine, which is basic and polar, at codon 942 of the TMPRSS15 protein (p.Gln942Arg).